The following is an entry in ClinVar:

NM_000900.5(MGP):c.250A>C (p.Met84Leu)

Gene: MGP (matrix Gla protein; minus strand). Cytogenetic location: 12p12.3.
Variant type: single nucleotide variant.
Coding change: c.250A>C on transcript NM_000900.5 (MANE Select); coding-DNA position 250, A replaced by C.
Protein change: p.Met84Leu; replaces methionine 84 with leucine.
Molecular consequence: missense variant.
Genome position (GRCh38, 1-based): chr12:14,882,201, T>G on the plus strand (A>C on the coding strand, the complement: MGP is on the minus strand). VCF-style: chr12-14882201-T-G. GRCh37 (hg19) VCF-style: chr12-15035135-T-G.
Other names: c.325A>C, p.Met109Leu (NM_001190839.3); short protein forms M109L, M84L.
Identifiers: ClinVar variation 1047201 (VCV001047201.8), dbSNP rs1863384211, ClinGen allele CA384019764.

ClinVar aggregate classification (germline): Uncertain significance (1 of 4 stars; one submission).

Submission:

Labcorp Genetics (formerly Invitae), Labcorp
Classification: Uncertain significance. Last evaluated: 2022-07-11. Review status: criteria provided, single submitter. Criteria: Invitae Variant Classification Sherloc (09022015). Collection method: clinical testing. Allele origin: germline.
Comment: ClinVar contains an entry for this variant (Variation ID: 1047201). This variant has not been reported in the literature in individuals affected with MGP-related conditions. This variant is not present in population databases (gnomAD no frequency). This sequence change replaces methionine, which is neutral and non-polar, with leucine, which is neutral and non-polar, at codon 84 of the MGP protein (p.Met84Leu). In summary, the available evidence is currently insufficient to determine the role of this variant in disease. Therefore, it has been classified as a Variant of Uncertain Significance. Algorithms developed to predict the effect of missense changes on protein structure and function output the following: SIFT: "Tolerated"; PolyPhen-2: "Benign"; Align-GVGD: "Class C0". The leucine amino acid residue is found in multiple mammalian species, which suggests that this missense change does not adversely affect protein function.